The following is an entry in ClinVar:

ClinVar aggregate classification (germline): Uncertain significance (1 of 4 stars; one submission).

Allele frequency attached by ClinVar (database versions not stated): TOPMed below 0.00001; gnomAD 0.00001; gnomAD exomes 0.00001.

Submission:

Labcorp Genetics (formerly Invitae), Labcorp
Classification: Uncertain significance. Last evaluated: 2021-08-26. Review status: criteria provided, single submitter. Criteria: Invitae Variant Classification Sherloc (09022015). Collection method: clinical testing. Allele origin: germline.
Comment: This sequence change replaces serine with asparagine at codon 141 of the ATF6 protein (p.Ser141Asn). The serine residue is moderately conserved and there is a small physicochemical difference between serine and asparagine. This variant is not present in population databases (ExAC no frequency). This variant has not been reported in the literature in individuals affected with ATF6-related conditions. Algorithms developed to predict the effect of missense changes on protein structure and function output the following: SIFT: "Tolerated"; PolyPhen-2: "Benign"; Align-GVGD: "Class C0". The asparagine amino acid residue is found in multiple mammalian species, which suggests that this missense change does not adversely affect protein function. In summary, the available evidence is currently insufficient to determine the role of this variant in disease. Therefore, it has been classified as a Variant of Uncertain Significance.

NM_007348.4(ATF6):c.422G>A (p.Ser141Asn)

Gene: ATF6 (activating transcription factor 6; plus strand). Cytogenetic location: 1q23.3.
Variant type: single nucleotide variant.
Coding change: c.422G>A on transcript NM_007348.4 (MANE Select); coding-DNA position 422, G replaced by A.
Protein change: p.Ser141Asn; replaces serine 141 with asparagine.
Molecular consequence: missense variant.
Genome position (GRCh38, 1-based): chr1:161,791,475, G>A. VCF-style: chr1-161791475-G-A. GRCh37 (hg19) VCF-style: chr1-161761265-G-A.
Other names: short protein forms S141N.
Identifiers: ClinVar variation 1488367 (VCV001488367.5), dbSNP rs61801254, ClinGen allele CA31733989.